The following is an entry in ClinVar:

ClinVar aggregate classification (germline): Pathogenic (1 of 4 stars; one submission).

Submission:

GeneDx
Classification: Pathogenic. Last evaluated: 2018-12-19. Review status: criteria provided, single submitter. Criteria: GeneDx Variant Classification (06012015). Collection method: clinical testing. Allele origin: germline. Affected: yes.
Comment: The c.4017_4018delGA pathogenic variant in the ARID2 gene has not been reported previously as a pathogenic variant, nor as a benign variant, to our knowledge. The c.4017_4018delGA variant causes a frameshift starting with codon Asparagine 1340, changes this amino acid to a Leucine residue, and creates a premature Stop codon at position 12 of the new reading frame, denoted p.Asn1340LeufsX12. This variant is predicted to cause loss of normal protein function either through protein truncation or nonsense-mediated mRNA decay. The c.4017_4018delGA variant is not observed in large population cohorts (Lek et al., 2016). We interpret c.4017_4018delGA as a pathogenic variant.

NM_152641.4(ARID2):c.4017_4018del (p.Asn1340fs)

Gene: ARID2 (AT-rich interaction domain 2; plus strand). Cytogenetic location: 12q12.
Variant type: Deletion.
Coding change: c.4017_4018del on transcript NM_152641.4 (MANE Select); coding-DNA positions 4017 to 4018, 2 bases deleted (GA; older notation c.4017_4018delGA).
Protein change: p.Asn1340fs; shifts the reading frame from asparagine 1340.
Molecular consequence: frameshift variant.
Genome position (GRCh38, 1-based): chr12:45,852,140-45,852,141, GA deleted; deleting any 2 consecutive bases within chr12:45,852,139-45,852,141 gives the same sequence; the c. name uses the placement nearest the transcript's 3' end. VCF-style (leftmost placement, unchanged base first): chr12-45852138-CAG-C. GRCh37 (hg19) VCF-style: chr12-46245921-CAG-C.
Other names: c.4017_4018del, p.Asn1340fs (NM_001347839.2); short protein forms N1340fs.
Identifiers: ClinVar variation 817958 (VCV000817958.1), dbSNP rs1592121317, ClinGen allele CA645571088.